The following is an entry in ClinVar:

NM_016616.5(NME8):c.3G>T (p.Met1Ile)

Gene: NME8 (NME/NM23 family member 8; plus strand). Cytogenetic location: 7p14.1.
Variant type: single nucleotide variant.
Coding change: c.3G>T on transcript NM_016616.5 (MANE Select); coding-DNA position 3, G replaced by T.
Protein change: p.Met1Ile; changes the start codon (methionine 1).
Molecular consequence: missense variant, initiator codon variant.
Genome position (GRCh38, 1-based): chr7:37,850,269, G>T. VCF-style: chr7-37850269-G-T. GRCh37 (hg19) VCF-style: chr7-37889871-G-T.
Other names: short protein forms M1I.
Identifiers: ClinVar variation 4773848 (VCV004773848.1).

ClinVar aggregate classification (germline): Uncertain significance (1 of 4 stars; one submission).

Conditions:
Primary ciliary dyskinesia 6. Also called: Primary Ciliary Dyskinesia 6: TXNDC3-Related Primary Ciliary Dyskinesia. Identifiers: Orphanet 244, MedGen C1970506, MONDO:0012571, OMIM 610852.

Submission:

Labcorp Genetics (formerly Invitae), Labcorp
Classification: Uncertain significance for Primary ciliary dyskinesia 6. Last evaluated: 2026-01-21. Review status: criteria provided, single submitter. Criteria: Invitae Variant Classification Sherloc (09022015). Collection method: clinical testing. Allele origin: germline.
Comment: This sequence change affects the initiator codon of the NME8 mRNA. This change may impact translation initiation or efficiency. The next in-frame methionine is located at codon 23. This variant is present in population databases (no rsID available, gnomAD 0.0009%). This variant has not been reported in the literature in individuals affected with NME8-related conditions. Experimental studies and prediction algorithms are not available or were not evaluated, and the functional significance of this variant is currently unknown. In summary, the available evidence is currently insufficient to determine the role of this variant in disease. Therefore, it has been classified as a Variant of Uncertain Significance.